The following is an entry in ClinVar:

NM_178857.6(RP1L1):c.157G>A (p.Val53Ile)

Gene: RP1L1 (RP1 like 1). Cytogenetic location: 8p23.1.
Variant type: single nucleotide variant.
Coding change: c.157G>A on transcript NM_178857.6 (MANE Select); coding-DNA position 157, G replaced by A.
Protein change: p.Val53Ile; replaces valine 53 with isoleucine.
Molecular consequence: missense variant.
Genome position (GRCh38, 1-based): chr8:10,623,045, C>T on the plus strand (G>A on the coding strand, the complement: RP1L1 is on the minus strand). VCF-style: chr8-10623045-C-T. GRCh37 (hg19) VCF-style: chr8-10480555-C-T.
Other names: c.157G>A (NM_178857.5); short protein forms V53I.
Identifiers: ClinVar variation 1478880 (VCV001478880.11), dbSNP rs192698867, ClinGen allele CA4625850.

ClinVar aggregate classification (germline): Uncertain significance. Review status: criteria provided, multiple submitters, no conflicts (2 of 4 stars). 3 submissions from 3 submitters: Uncertain significance (3). Last evaluated 2026-01-08.

Conditions:
Inborn genetic diseases. Identifiers: MedGen C0950123, MeSH D030342.

Allele frequency attached by ClinVar (database versions not stated): TOPMed 0.00001; gnomAD 0.00002; ExAC 0.00006; 1000 Genomes Project 0.00020; 1000 Genomes Project 30x 0.00031.
gnomAD v4.1: 63 of 1,614,122 alleles (0.0039%); highest among the groups gnomAD compares: South Asian, 0.052%; no homozygotes.

Submissions (3):

Labcorp Genetics (formerly Invitae), Labcorp
Classification: Uncertain significance. Last evaluated: 2026-01-08. Review status: criteria provided, single submitter. Criteria: Invitae Variant Classification Sherloc (09022015). Collection method: clinical testing. Allele origin: germline.
Comment: This sequence change replaces valine, which is neutral and non-polar, with isoleucine, which is neutral and non-polar, at codon 53 of the RP1L1 protein (p.Val53Ile). This variant is present in population databases (rs192698867, gnomAD 0.06%). This variant has not been reported in the literature in individuals affected with RP1L1-related conditions. ClinVar contains an entry for this variant (Variation ID: 1478880). Invitae Evidence Modeling of protein sequence and biophysical properties (such as structural, functional, and spatial information, amino acid conservation, physicochemical variation, residue mobility, and thermodynamic stability) indicates that this missense variant is not expected to disrupt RP1L1 protein function with a negative predictive value of 80%. In summary, the available evidence is currently insufficient to determine the role of this variant in disease. Therefore, it has been classified as a Variant of Uncertain Significance.

Ambry Genetics
Classification: Uncertain significance for Inborn genetic diseases. Last evaluated: 2025-12-11. Review status: criteria provided, single submitter. Criteria: Ambry Variant Classification Scheme 2023. Collection method: clinical testing. Allele origin: germline.

Blueprint Genetics
Classification: Uncertain significance. Last evaluated: 2020-04-14. Review status: criteria provided, single submitter. Criteria: ACMG Guidelines, 2015. Collection method: clinical testing. Allele origin: germline.